The following is an entry in ClinVar:

ClinVar aggregate classification (germline): Uncertain significance (1 of 4 stars; one submission).

Conditions:
Xeroderma pigmentosum, group F (XPF). Also called: ERCC4-Related Xeroderma Pigmentosum; XERODERMA PIGMENTOSUM, TYPE F; Xeroderma pigmentosum, type 6; XERODERMA PIGMENTOSUM, COMPLEMENTATION GROUP F; XERODERMA PIGMENTOSUM VI; XP, GROUP F. Identifiers: MedGen C0268140, MONDO:0010215, OMIM 278760.
Cockayne syndrome. Identifiers: Orphanet 191, MedGen C0009207, MONDO:0016006.
Fanconi anemia complementation group Q. Identifiers: Orphanet 84, MedGen C3808988, MONDO:0014108, OMIM 615272.

Submission:

Labcorp Genetics (formerly Invitae), Labcorp
Classification: Uncertain significance for Fanconi anemia complementation group Q; Xeroderma pigmentosum, group F; Cockayne syndrome. Last evaluated: 2022-05-29. Review status: criteria provided, single submitter. Criteria: Invitae Variant Classification Sherloc (09022015). Collection method: clinical testing. Allele origin: germline.
Comment: This sequence change replaces threonine, which is neutral and polar, with alanine, which is neutral and non-polar, at codon 903 of the ERCC4 protein (p.Thr903Ala). In summary, the available evidence is currently insufficient to determine the role of this variant in disease. Therefore, it has been classified as a Variant of Uncertain Significance. Algorithms developed to predict the effect of missense changes on protein structure and function (SIFT, PolyPhen-2, Align-GVGD) all suggest that this variant is likely to be tolerated. This variant has not been reported in the literature in individuals affected with ERCC4-related conditions. This variant is not present in population databases (gnomAD no frequency).

NM_005236.3(ERCC4):c.2707A>G (p.Thr903Ala)

Gene: ERCC4 (ERCC excision repair 4, endonuclease catalytic subunit; plus strand). Cytogenetic location: 16p13.12.
Variant type: single nucleotide variant.
Coding change: c.2707A>G on transcript NM_005236.3 (MANE Select); coding-DNA position 2707, A replaced by G.
Protein change: p.Thr903Ala; replaces threonine 903 with alanine.
Molecular consequence: missense variant.
Genome position (GRCh38, 1-based): chr16:13,948,303, A>G. VCF-style: chr16-13948303-A-G. GRCh37 (hg19) VCF-style: chr16-14042160-A-G.
Other names: short protein forms T903A.
Identifiers: ClinVar variation 2000609 (VCV002000609.4), dbSNP rs2543197123, ClinGen allele CA394825073.
Genomic context (GRCh38, chr16:13,948,303, plus strand): 5'-GAGCTCACGAGTATTCTGGGGAATGCTGCAAATGCCAAACAGCTTTATGATTTCATTCAC[A>G]CCTCTTTTGCAGAAGTCGTATCAAAAGGAAAAGGGAAAAAGTGAACAGTGATGGCTGTTT-3'
Protein context (NP_005227.1, residues 893-913): NAKQLYDFIH[Thr903Ala]SFAEVVSKGK